The following is an entry in ClinVar:

ClinVar aggregate classification (germline): Uncertain significance (1 of 4 stars; one submission).

Conditions:
Progressive sclerosing poliodystrophy (MTDPS4A). Also called: ALPERS PROGRESSIVE INFANTILE POLIODYSTROPHY; NEURONAL DEGENERATION OF CHILDHOOD WITH LIVER DISEASE, PROGRESSIVE; Alpers Syndrome; ALPERS DIFFUSE DEGENERATION OF CEREBRAL GRAY MATTER WITH HEPATIC CIRRHOSIS; Alpers-Huttenlocher Syndrome; Mitochondrial DNA depletion syndrome 4A (Alpers type). Identifiers: Orphanet 726, MedGen C0205710, MONDO:0008758, OMIM 203700.

Submission:

Labcorp Genetics (formerly Invitae), Labcorp
Classification: Uncertain significance for Progressive sclerosing poliodystrophy. Last evaluated: 2024-06-22. Review status: criteria provided, single submitter. Criteria: Invitae Variant Classification Sherloc (09022015). Collection method: clinical testing. Allele origin: germline.
Comment: This sequence change replaces alanine, which is neutral and non-polar, with aspartic acid, which is acidic and polar, at codon 1045 of the POLG protein (p.Ala1045Asp). This variant is not present in population databases (gnomAD no frequency). This variant has not been reported in the literature in individuals affected with POLG-related conditions. Advanced modeling of protein sequence and biophysical properties (such as structural, functional, and spatial information, amino acid conservation, physicochemical variation, residue mobility, and thermodynamic stability) performed at Invitae indicates that this missense variant is not expected to disrupt POLG protein function with a negative predictive value of 95%. In summary, the available evidence is currently insufficient to determine the role of this variant in disease. Therefore, it has been classified as a Variant of Uncertain Significance.

NM_002693.3(POLG):c.3134C>A (p.Ala1045Asp)

Gene: POLG (DNA polymerase gamma, catalytic subunit; minus strand). Cytogenetic location: 15q26.1.
Variant type: single nucleotide variant.
Coding change: c.3134C>A on transcript NM_002693.3 (MANE Select); coding-DNA position 3134, C replaced by A.
Protein change: p.Ala1045Asp; replaces alanine 1045 with aspartic acid.
Molecular consequence: missense variant.
Genome position (GRCh38, 1-based): chr15:89,319,070, G>T on the plus strand (C>A on the coding strand, the complement: POLG is on the minus strand). VCF-style: chr15-89319070-G-T. GRCh37 (hg19) VCF-style: chr15-89862301-G-T.
Other names: c.3134C>A, p.Ala1045Asp (NM_001126131.2); short protein forms A1045D.
Identifiers: ClinVar variation 3690252 (VCV003690252.2).